The following is an entry in ClinVar:

NM_182947.4(ARHGEF25):c.387G>A (p.Glu129=)

Gene: ARHGEF25 (Rho guanine nucleotide exchange factor 25; plus strand). Cytogenetic location: 12q13.3.
Variant type: single nucleotide variant.
Coding change: c.387G>A on transcript NM_182947.4 (MANE Select); coding-DNA position 387, G replaced by A.
Protein change: p.Glu129=; no amino-acid change (glutamic acid 129 retained).
Molecular consequence: synonymous variant. On other transcripts: non-coding transcript variant (1).
Genome position (GRCh38, 1-based): chr12:57,613,338, G>A. VCF-style: chr12-57613338-G-A. GRCh37 (hg19) VCF-style: chr12-58007121-G-A.
Other names: c.504G>A, p.Glu168= (NM_001111270.3); c.387G>A, p.Glu129= (NM_001347933.2).
Identifiers: ClinVar variation 3341581 (VCV003341581.16).

ClinVar aggregate classification (germline): Likely benign (1 of 4 stars; one submission).

Submission:

CeGaT Center for Human Genetics Tuebingen
Classification: Likely benign. Last evaluated: 2024-08-01. Review status: criteria provided, single submitter. Criteria: CeGaT Center For Human Genetics Tuebingen Variant Classification Criteria Version 2. Collection method: clinical testing. Allele origin: germline. Affected: yes. Observed: 1 variant allele.
Comment: ARHGEF25: BP4, BP7